The following is an entry in ClinVar:

NM_020436.5(SALL4):c.2257T>G (p.Ser753Ala)

Gene: SALL4 (spalt like transcription factor 4; minus strand). Cytogenetic location: 20q13.2.
Variant type: single nucleotide variant.
Coding change: c.2257T>G on transcript NM_020436.5 (MANE Select); coding-DNA position 2257, T replaced by G.
Protein change: p.Ser753Ala; replaces serine 753 with alanine.
Molecular consequence: missense variant. On other transcripts: intron variant (1).
Genome position (GRCh38, 1-based): chr20:51,790,226, A>C on the plus strand (T>G on the coding strand, the complement: SALL4 is on the minus strand). VCF-style: chr20-51790226-A-C. GRCh37 (hg19) VCF-style: chr20-50406765-A-C.
Other names: c.1151-1085T>G (NM_001318031.2); short protein forms S753A.
Identifiers: ClinVar variation 2725550 (VCV002725550.3), dbSNP rs777302596, ClinGen allele CA9912135.

ClinVar aggregate classification (germline): Uncertain significance (1 of 4 stars; one submission).

Conditions:
Duane-radial ray syndrome (DRRS). Also called: ACRORENOOCULAR SYNDROME; DR SYNDROME; DUANE ANOMALY WITH RADIAL RAY ABNORMALITIES AND DEAFNESS; Okihiro Syndrome; Duane-Radial Ray Syndrome/Okihiro Syndrome; Duane-Radial Ray Syndrome (DRRS) / Okihiro Syndrome. Identifiers: Orphanet 93293, Orphanet 959, MedGen C1623209, MONDO:0011812, OMIM 607323. Disease mechanism: gain of function.

Allele frequency attached by ClinVar (database versions not stated): gnomAD 0.00002; gnomAD exomes 0.00003; TOPMed 0.00003; ExAC 0.00005.
gnomAD v4.1: 41 of 1,614,002 alleles (0.0025%); highest among the groups gnomAD compares: Non-Finnish European, 0.0033%; no homozygotes.

Submission:

Labcorp Genetics (formerly Invitae), Labcorp
Classification: Uncertain significance for Duane-radial ray syndrome. Last evaluated: 2025-09-04. Review status: criteria provided, single submitter. Criteria: Invitae Variant Classification Sherloc (09022015). Collection method: clinical testing. Allele origin: germline.
Comment: This sequence change replaces serine, which is neutral and polar, with alanine, which is neutral and non-polar, at codon 753 of the SALL4 protein (p.Ser753Ala). This variant is present in population databases (rs777302596, gnomAD 0.007%). This variant has not been reported in the literature in individuals affected with SALL4-related conditions. ClinVar contains an entry for this variant (Variation ID: 2725550). An algorithm developed to predict the effect of missense changes on protein structure and function (PolyPhen-2) suggests that this variant is likely to be tolerated. In summary, the available evidence is currently insufficient to determine the role of this variant in disease. Therefore, it has been classified as a Variant of Uncertain Significance.